The following is an entry in ClinVar:

ClinVar aggregate classification (germline): Likely pathogenic (1 of 4 stars; one submission).

Submission:

Athena Diagnostics
Classification: Likely pathogenic. Last evaluated: 2020-03-13. Review status: criteria provided, single submitter. Criteria: Athena Diagnostics Criteria. Collection method: clinical testing. Allele origin: unknown.
Comment: The variant disrupts a cysteine residue in an EGF-like repeat domain, which is important for the structure of this protein. Therefore it is expected to severely affect the function of the protein. Not found in the total gnomAD dataset, and the data is high quality.

NM_000435.3(NOTCH3):c.1216G>T (p.Gly406Cys)

Gene: NOTCH3 (notch receptor 3; minus strand). Cytogenetic location: 19p13.12.
Variant type: single nucleotide variant.
Coding change: c.1216G>T on transcript NM_000435.3 (MANE Select); coding-DNA position 1216, G replaced by T.
Protein change: p.Gly406Cys; replaces glycine 406 with cysteine.
Molecular consequence: missense variant.
Genome position (GRCh38, 1-based): chr19:15,189,151, C>A on the plus strand (G>T on the coding strand, the complement: NOTCH3 is on the minus strand). VCF-style: chr19-15189151-C-A. GRCh37 (hg19) VCF-style: chr19-15299962-C-A.
Other names: short protein forms G406C.
Identifiers: ClinVar variation 994540 (VCV000994540.1), dbSNP rs2046907944, ClinGen allele CA404528392.